The following is an entry in ClinVar:

NM_001999.4(FBN2):c.7403C>A (p.Thr2468Asn)

Gene: FBN2 (fibrillin 2; minus strand). Cytogenetic location: 5q23.3.
Variant type: single nucleotide variant.
Coding change: c.7403C>A on transcript NM_001999.4 (MANE Select); coding-DNA position 7403, C replaced by A.
Protein change: p.Thr2468Asn; replaces threonine 2468 with asparagine.
Molecular consequence: missense variant.
Genome position (GRCh38, 1-based): chr5:128,277,948, G>T on the plus strand (C>A on the coding strand, the complement: FBN2 is on the minus strand). VCF-style: chr5-128277948-G-T. GRCh37 (hg19) VCF-style: chr5-127613640-G-T.
Other names: short protein forms T2468N.
Identifiers: ClinVar variation 3513665 (VCV003513665.1).

ClinVar aggregate classification (germline): Uncertain significance (1 of 4 stars; one submission).

Conditions:
Familial thoracic aortic aneurysm and aortic dissection (TAAD). Also called: Thoracic aortic aneurysms and dissections. Identifiers: Orphanet 91387, MedGen C4707243, MONDO:0019625.

gnomAD v4.1: 1 of 1,613,920 alleles (0.000062%); highest among the groups gnomAD compares: African/African-American, 0.0013%; no homozygotes.

Submission:

Ambry Genetics
Classification: Uncertain significance for Familial thoracic aortic aneurysm and aortic dissection. Last evaluated: 2024-11-22. Review status: criteria provided, single submitter. Criteria: Ambry Variant Classification Scheme 2023. Collection method: clinical testing. Allele origin: germline.
Comment: The p.T2468N variant (also known as c.7403C>A), located in coding exon 58 of the FBN2 gene, results from a C to A substitution at nucleotide position 7403. The threonine at codon 2468 is replaced by asparagine, an amino acid with similar properties. This amino acid position is well conserved in available vertebrate species. In addition, the in silico prediction for this alteration is inconclusive. Based on the available evidence, the clinical significance of this variant remains unclear.